The following is an entry in ClinVar:

ClinVar aggregate classification (germline): Uncertain significance (1 of 4 stars; one submission).

Allele frequency attached by ClinVar (database versions not stated): gnomAD 0.00001; gnomAD exomes 0.00001; TOPMed 0.00003.
gnomAD v4.1: 14 of 1,613,568 alleles (0.00087%); highest among the groups gnomAD compares: Middle Eastern, 0.017%; no homozygotes.

Submission:

Labcorp Genetics (formerly Invitae), Labcorp
Classification: Uncertain significance. Last evaluated: 2023-12-13. Review status: criteria provided, single submitter. Criteria: Invitae Variant Classification Sherloc (09022015). Collection method: clinical testing. Allele origin: germline.
Comment: This sequence change replaces valine, which is neutral and non-polar, with methionine, which is neutral and non-polar, at codon 718 of the SORL1 protein (p.Val718Met). This variant is present in population databases (no rsID available, gnomAD 0.02%). This variant has not been reported in the literature in individuals affected with SORL1-related conditions. An algorithm developed to predict the effect of missense changes on protein structure and function (PolyPhen-2) suggests that this variant is likely to be disruptive. In summary, the available evidence is currently insufficient to determine the role of this variant in disease. Therefore, it has been classified as a Variant of Uncertain Significance.

NM_003105.6(SORL1):c.2152G>A (p.Val718Met)

Gene: SORL1 (sortilin related receptor 1; plus strand). Cytogenetic location: 11q24.1.
Variant type: single nucleotide variant.
Coding change: c.2152G>A on transcript NM_003105.6 (MANE Select); coding-DNA position 2152, G replaced by A.
Protein change: p.Val718Met; replaces valine 718 with methionine.
Molecular consequence: missense variant.
Genome position (GRCh38, 1-based): chr11:121,550,060, G>A. VCF-style: chr11-121550060-G-A. GRCh37 (hg19) VCF-style: chr11-121420769-G-A.
Other names: short protein forms V718M.
Identifiers: ClinVar variation 2919827 (VCV002919827.3), dbSNP rs1465951414, ClinGen allele CA383032619.